The following is an entry in ClinVar:

ClinVar aggregate classification (germline): Uncertain significance (1 of 4 stars; one submission).

Conditions:
Hereditary diffuse gastric adenocarcinoma (HDGC). Also called: DIFFUSE GASTRIC AND LOBULAR BREAST CANCER SYNDROME. Identifiers: Orphanet 26106, MedGen C1708349, MONDO:0007648, OMIM 137215.

Submission:

Labcorp Genetics (formerly Invitae), Labcorp
Classification: Uncertain significance for Hereditary diffuse gastric adenocarcinoma. Last evaluated: 2018-08-22. Review status: criteria provided, single submitter. Criteria: Invitae Variant Classification Sherloc (09022015). Collection method: clinical testing. Allele origin: germline.
Comment: In summary, the available evidence is currently insufficient to determine the role of this variant in disease. Therefore, it has been classified as a Variant of Uncertain Significance. This variant has not been reported in the literature in individuals with CDH1-related disease. This variant is not present in population databases (ExAC no frequency). This sequence change replaces glycine with cysteine at codon 839 of the CDH1 protein (p.Gly839Cys). The glycine residue is highly conserved and there is a large physicochemical difference between glycine and cysteine. Algorithms developed to predict the effect of missense changes on protein structure and function are either unavailable or do not agree on the potential impact of this missense change (SIFT: "Deleterious"; PolyPhen-2: "Probably Damaging"; Align-GVGD: "Class C0").

NM_004360.5(CDH1):c.2515G>T (p.Gly839Cys)

Gene: CDH1 (cadherin 1; plus strand). Cytogenetic location: 16q22.1.
Variant type: single nucleotide variant.
Coding change: c.2515G>T on transcript NM_004360.5 (MANE Select); coding-DNA position 2515, G replaced by T.
Protein change: p.Gly839Cys; replaces glycine 839 with cysteine.
Molecular consequence: missense variant.
Genome position (GRCh38, 1-based): chr16:68,833,365, G>T. VCF-style: chr16-68833365-G-T. GRCh37 (hg19) VCF-style: chr16-68867268-G-T.
Other names: c.2515G>T (LRG_301t1); c.2332G>T, p.Gly778Cys (NM_001317184.2); c.967G>T, p.Gly323Cys (NM_001317185.2); c.550G>T, p.Gly184Cys (NM_001317186.2); short protein forms G839C, G323C, G778C, G184C.
Identifiers: ClinVar variation 662448 (VCV000662448.9), dbSNP rs587780121, ClinGen allele CA396472268.